The following is an entry in ClinVar:

NM_001128840.3(CACNA1D):c.5956G>A (p.Ala1986Thr)

Gene: CACNA1D (calcium voltage-gated channel subunit alpha1 D; plus strand). Cytogenetic location: 3p21.1.
Variant type: single nucleotide variant.
Coding change: c.5956G>A on transcript NM_001128840.3 (MANE Select); coding-DNA position 5956, G replaced by A.
Protein change: p.Ala1986Thr; replaces alanine 1986 with threonine.
Molecular consequence: missense variant.
Genome position (GRCh38, 1-based): chr3:53,810,062, G>A. VCF-style: chr3-53810062-G-A. GRCh37 (hg19) VCF-style: chr3-53844089-G-A.
Other names: c.6016G>A, p.Ala2006Thr (NM_000720.4); c.5884G>A, p.Ala1962Thr (NM_001128839.3); short protein forms A1962T, A1986T, A2006T.
Identifiers: ClinVar variation 1718020 (VCV001718020.5), dbSNP rs756101464, ClinGen allele CA2455332.
Genomic context (GRCh38, chr3:53,810,062, plus strand): 5'-TCAAGTAAAGCCCAGAAGTACTCACCGAGTCACTCGACCCGGTCGTGGGCCACCCCTCCA[G>A]CAACCCCTCCCTACCGGGACTGGACACCGTGCTACACCCCCCTGATCCAAGTGGAGCAGT-3'
Protein context (NP_001122312.1, residues 1976-1996): HSTRSWATPP[Ala1986Thr]TPPYRDWTPC

ClinVar aggregate classification (germline): Uncertain significance (1 of 4 stars; one submission).

Allele frequency attached by ClinVar (database versions not stated): TOPMed below 0.00001; ExAC 0.00001; gnomAD 0.00001.
gnomAD v4.1: 11 of 1,613,792 alleles (0.00068%); highest among the groups gnomAD compares: Non-Finnish European, 0.00093%; no homozygotes.

Submission:

Labcorp Genetics (formerly Invitae), Labcorp
Classification: Uncertain significance. Last evaluated: 2022-08-25. Review status: criteria provided, single submitter. Criteria: Invitae Variant Classification Sherloc (09022015). Collection method: clinical testing. Allele origin: germline.
Comment: This sequence change replaces alanine, which is neutral and non-polar, with threonine, which is neutral and polar, at codon 2006 of the CACNA1D protein (p.Ala2006Thr). In summary, the available evidence is currently insufficient to determine the role of this variant in disease. Therefore, it has been classified as a Variant of Uncertain Significance. Algorithms developed to predict the effect of missense changes on protein structure and function are either unavailable or do not agree on the potential impact of this missense change (SIFT: "Deleterious"; PolyPhen-2: "Benign"; Align-GVGD: "Class C0"). This variant has not been reported in the literature in individuals affected with CACNA1D-related conditions. This variant is present in population databases (rs756101464, gnomAD 0.0009%).